The following is an entry in ClinVar:

ClinVar aggregate classification (germline): Uncertain significance (1 of 4 stars; one submission).

Conditions:
Cranioectodermal dysplasia 1 (CED1). Also called: LEVIN SYNDROME I. Identifiers: Orphanet 1515, MedGen C0432235, MONDO:0021093, OMIM 218330.

Allele frequency attached by ClinVar (database versions not stated): TOPMed below 0.00001; gnomAD exomes 0.00001.
gnomAD v4.1: 3 of 1,614,048 alleles (0.00019%); highest among the groups gnomAD compares: Middle Eastern, 0.05%; no homozygotes.

Submission:

Labcorp Genetics (formerly Invitae), Labcorp
Classification: Uncertain significance for Cranioectodermal dysplasia 1. Last evaluated: 2025-10-22. Review status: criteria provided, single submitter. Criteria: Invitae Variant Classification Sherloc (09022015). Collection method: clinical testing. Allele origin: germline.
Comment: This sequence change replaces glutamine, which is neutral and polar, with arginine, which is basic and polar, at codon 942 of the IFT122 protein (p.Gln942Arg). This variant is not present in population databases (gnomAD no frequency). This variant has not been reported in the literature in individuals affected with IFT122-related conditions. ClinVar contains an entry for this variant (Variation ID: 1504237). Invitae Evidence Modeling of protein sequence and biophysical properties (such as structural, functional, and spatial information, amino acid conservation, physicochemical variation, residue mobility, and thermodynamic stability) indicates that this missense variant is not expected to disrupt IFT122 protein function with a negative predictive value of 80%. In summary, the available evidence is currently insufficient to determine the role of this variant in disease. Therefore, it has been classified as a Variant of Uncertain Significance.

NM_052989.3(IFT122):c.2672A>G (p.Gln891Arg)

Gene: IFT122 (intraflagellar transport 122; plus strand). Cytogenetic location: 3q22.1.
Variant type: single nucleotide variant.
Coding change: c.2672A>G on transcript NM_052989.3 (MANE Select); coding-DNA position 2672, A replaced by G.
Protein change: p.Gln891Arg; replaces glutamine 891 with arginine.
Molecular consequence: missense variant.
Genome position (GRCh38, 1-based): chr3:129,506,430, A>G. VCF-style: chr3-129506430-A-G. GRCh37 (hg19) VCF-style: chr3-129225273-A-G.
Other names: c.2648A>G, p.Gln883Arg (NM_001280541.2); c.2222A>G, p.Gln741Arg (NM_001280545.2); c.2045A>G, p.Gln682Arg (NM_001280546.2); c.2495A>G, p.Gln832Arg (NM_018262.4); c.2825A>G, p.Gln942Arg (NM_052985.4); c.2339A>G, p.Gln780Arg (NM_052990.3); short protein forms Q741R, Q832R, Q780R, Q891R, Q942R, Q883R, Q682R.
Identifiers: ClinVar variation 1504237 (VCV001504237.6), dbSNP rs2082199852, ClinGen allele CA354484776.